The following is an entry in ClinVar:

ClinVar aggregate classification (germline): Conflicting classifications of pathogenicity. Review status: criteria provided, conflicting classifications (1 of 4 stars). 2 submissions from 2 submitters: Uncertain significance (1); Likely benign (1). Last evaluated 2022-10-17.

Allele frequency attached by ClinVar (database versions not stated): 1000 Genomes Project 0.00020; 1000 Genomes Project 30x 0.00031.
gnomAD v4.1: 62 of 1,386,140 alleles (0.0045%); highest among the groups gnomAD compares: South Asian, 0.074%; 2 homozygotes.

Submissions (2):

Labcorp Genetics (formerly Invitae), Labcorp
Classification: Uncertain significance. Last evaluated: 2022-10-17. Review status: criteria provided, single submitter. Criteria: Invitae Variant Classification Sherloc (09022015). Collection method: clinical testing. Allele origin: germline.
Comment: This sequence change replaces arginine, which is basic and polar, with serine, which is neutral and polar, at codon 411 of the CEP78 protein (p.Arg411Ser). This variant is present in population databases (rs200567472, gnomAD 0.07%). This variant has not been reported in the literature in individuals affected with CEP78-related conditions. ClinVar contains an entry for this variant (Variation ID: 1410397). Advanced modeling of protein sequence and biophysical properties (such as structural, functional, and spatial information, amino acid conservation, physicochemical variation, residue mobility, and thermodynamic stability) performed at Invitae indicates that this missense variant is not expected to disrupt CEP78 protein function. In summary, the available evidence is currently insufficient to determine the role of this variant in disease. Therefore, it has been classified as a Variant of Uncertain Significance.

Blueprint Genetics
Classification: Likely benign. Last evaluated: 2022-06-02. Review status: criteria provided, single submitter. Criteria: ACMG Guidelines, 2015. Collection method: clinical testing. Allele origin: germline.

NM_001330691.3(CEP78):c.1228C>A (p.Arg410Ser)

Gene: CEP78 (centrosomal protein 78; plus strand). Cytogenetic location: 9q21.2.
Variant type: single nucleotide variant.
Coding change: c.1228C>A on transcript NM_001330691.3 (MANE Select); coding-DNA position 1228, C replaced by A.
Protein change: p.Arg410Ser; replaces arginine 410 with serine.
Molecular consequence: missense variant.
Genome position (GRCh38, 1-based): chr9:78,253,254, C>A. VCF-style: chr9-78253254-C-A. GRCh37 (hg19) VCF-style: chr9-80868170-C-A.
Other names: c.1231C>A, p.Arg411Ser (NM_001098802.3, NM_001349839.2, NM_001349840.2 and 1 more transcripts); c.1228C>A, p.Arg410Ser (NM_001330693.3, NM_001330694.2, NM_001349838.2); short protein forms R410S, R411S.
Identifiers: ClinVar variation 1410397 (VCV001410397.4), dbSNP rs200567472, ClinGen allele CA5095187.